The following is an entry in ClinVar:

ClinVar aggregate classification (germline): Uncertain significance (1 of 4 stars; one submission).

Conditions:
Early onset severe obesity. Identifiers: MedGen C4013980.

Submission:

Cambridge Genomics Laboratory, East Genomic Laboratory Hub, NHS Genomic Medicine Service
Classification: Uncertain significance for Severe early-onset obesity. Last evaluated: 2025-11-07. Review status: criteria provided, single submitter. Criteria: ACGS Best Practice Guidelines for Variant Classification in Rare Disease 2020. Collection method: clinical testing. Allele origin: germline. Affected: yes.
Comment: PM2,PP3

NM_020738.4(KIDINS220):c.2366A>G (p.Asp789Gly)

Gene: KIDINS220 (kinase D interacting substrate 220; minus strand). Cytogenetic location: 2p25.1.
Variant type: single nucleotide variant.
Coding change: c.2366A>G on transcript NM_020738.4 (MANE Select); coding-DNA position 2366, A replaced by G.
Protein change: p.Asp789Gly; replaces aspartic acid 789 with glycine.
Molecular consequence: missense variant. On other transcripts: non-coding transcript variant (2).
Genome position (GRCh38, 1-based): chr2:8,779,678, T>C on the plus strand (A>G on the coding strand, the complement: KIDINS220 is on the minus strand). VCF-style: chr2-8779678-T-C. GRCh37 (hg19) VCF-style: chr2-8919808-T-C.
Other names: c.2369A>G, p.Asp790Gly (NM_001348729.2, NM_001348731.2, NM_001348734.2 and 3 more transcripts); c.2366A>G, p.Asp789Gly (NM_001348732.2, NM_001348735.2, NM_001348738.2 and 3 more transcripts); c.2240A>G, p.Asp747Gly (NM_001348736.2); short protein forms D747G, D789G, D790G.
Identifiers: ClinVar variation 4540615 (VCV004540615.1).
Genomic context (GRCh38, chr2:8,779,678, plus strand): 5'-ATTCTCTCAAGTGCCACAACATAACAATGGTGGCTTTTGAGGTGGCGCAAACGTACAGTG[T>C]CCAGCATCTGAAGGACTTTGTCCTGCTCACAGGCATCTAATCCATCGATGATGACCACCA-3'
Protein context (NP_065789.1, residues 779-799): CEQDKVLQML[Asp789Gly]TVRVLFSKGP